The following is an entry in ClinVar:

ClinVar aggregate classification (germline): Uncertain significance (1 of 4 stars; one submission).

Conditions:
Hereditary cancer-predisposing syndrome. Also called: Hereditary Cancer Syndrome; Hereditary neoplastic syndrome; Neoplastic Syndromes, Hereditary; Tumor predisposition. Identifiers: Orphanet 140162, MedGen C0027672, MeSH D009386, MONDO:0015356.

Submission:

Ambry Genetics
Classification: Uncertain significance for Hereditary cancer-predisposing syndrome. Last evaluated: 2025-03-05. Review status: criteria provided, single submitter. Criteria: Ambry Variant Classification Scheme 2023. Collection method: clinical testing. Allele origin: germline.
Comment: The p.E321D variant (also known as c.963G>T), located in coding exon 6 of the FLCN gene, results from a G to T substitution at nucleotide position 963. The glutamic acid at codon 321 is replaced by aspartic acid, an amino acid with highly similar properties. This amino acid position is conserved. In addition, the in silico prediction for this alteration is inconclusive. Since supporting evidence is limited at this time, the clinical significance of this alteration remains unclear.

NM_144997.7(FLCN):c.963G>T (p.Glu321Asp)

Gene: FLCN (folliculin; minus strand). Cytogenetic location: 17p11.2.
Variant type: single nucleotide variant.
Coding change: c.963G>T on transcript NM_144997.7 (MANE Select); coding-DNA position 963, G replaced by T.
Protein change: p.Glu321Asp; replaces glutamic acid 321 with aspartic acid.
Molecular consequence: missense variant.
Genome position (GRCh38, 1-based): chr17:17,219,118, C>A on the plus strand (G>T on the coding strand, the complement: FLCN is on the minus strand). VCF-style: chr17-17219118-C-A. GRCh37 (hg19) VCF-style: chr17-17122432-C-A.
Other names: c.1017G>T, p.Glu339Asp (NM_001353229.2); c.963G>T, p.Glu321Asp (NM_001353230.2, NM_001353231.2); short protein forms E321D, E339D.
Identifiers: ClinVar variation 1767644 (VCV001767644.3), dbSNP rs2144896160, ClinGen allele CA398532913.